The following is an entry in ClinVar:

ClinVar aggregate classification (germline): Uncertain significance (1 of 4 stars; one submission).

Conditions:
Charlevoix-Saguenay spastic ataxia (SACS). Also called: SPASTIC ATAXIA 6, AUTOSOMAL RECESSIVE; AUTOSOMAL RECESSIVE SPASTIC ATAXIA OF CHARLEVOIX-SAGUENAY; Spastic ataxia of Charlevoix-Saguenay. Identifiers: Orphanet 98, MedGen C1849140, MONDO:0010041, OMIM 270550.

Submission:

Neuberg Centre For Genomic Medicine, NCGM
Classification: Uncertain significance for Charlevoix-Saguenay spastic ataxia. Review status: criteria provided, single submitter. Criteria: ACMG Guidelines, 2015. Collection method: clinical testing. Allele origin: germline. Affected: yes.
Comment: The missense variant p.L2528W in SACS (NM_014363.6) has not been reported previously as a pathogenic variant nor as a benign variant, to our knowledge. The p.L2528W variant is novel (not in any individuals) in gnomAD Exomes and is novel (not in any individuals) in 1000 Genomes. The p.L2528W missense variant is predicted to be damaging by both SIFT and PolyPhen2. The leucine residue at codon 2528 of SACS is conserved in all mammalian species. The nucleotide c.7583 in SACS is predicted conserved by GERP++ and PhyloP across 100 vertebrates. For these reasons, this variant has been classified as Uncertain Significance.

NM_014363.6(SACS):c.4268A>G (p.His1423Arg)

Gene: SACS (sacsin molecular chaperone; minus strand). Cytogenetic location: 13q12.12.
Variant type: single nucleotide variant.
Coding change: c.4268A>G on transcript NM_014363.6 (MANE Select); coding-DNA position 4268, A replaced by G.
Protein change: p.His1423Arg; replaces histidine 1423 with arginine.
Molecular consequence: missense variant.
Genome position (GRCh38, 1-based): chr13:23,339,608, T>C on the plus strand (A>G on the coding strand, the complement: SACS is on the minus strand). VCF-style: chr13-23339608-T-C. GRCh37 (hg19) VCF-style: chr13-23913747-T-C.
Other names: c.3827A>G, p.His1276Arg (NM_001278055.2); short protein forms H1276R, H1423R.
Identifiers: ClinVar variation 1339016 (VCV001339016.2), dbSNP rs2137629036, ClinGen allele CA387531530.